The following is an entry in ClinVar:

ClinVar aggregate classification (germline): Uncertain significance (1 of 4 stars; one submission).

Submission:

Labcorp Genetics (formerly Invitae), Labcorp
Classification: Uncertain significance. Last evaluated: 2018-10-04. Review status: criteria provided, single submitter. Criteria: Invitae Variant Classification Sherloc (09022015). Collection method: clinical testing. Allele origin: germline.
Comment: This sequence change replaces proline with serine at codon 99 of the POLE protein (p.Pro99Ser). The proline residue is moderately conserved and there is a moderate physicochemical difference between proline and serine. This variant is not present in population databases (ExAC no frequency). This variant has not been reported in the literature in individuals with POLE-related disease. Algorithms developed to predict the effect of missense changes on protein structure and function (SIFT, PolyPhen-2, Align-GVGD) all suggest that this variant is likely to be tolerated, but these predictions have not been confirmed by published functional studies and their clinical significance is uncertain. In summary, the available evidence is currently insufficient to determine the role of this variant in disease. Therefore, it has been classified as a Variant of Uncertain Significance.

NM_006231.4(POLE):c.295C>T (p.Pro99Ser)

Gene: POLE (DNA polymerase epsilon, catalytic subunit; minus strand). Cytogenetic location: 12q24.33.
Variant type: single nucleotide variant.
Coding change: c.295C>T on transcript NM_006231.4 (MANE Select); coding-DNA position 295, C replaced by T.
Protein change: p.Pro99Ser; replaces proline 99 with serine.
Molecular consequence: missense variant.
Genome position (GRCh38, 1-based): chr12:132,680,213, G>A on the plus strand (C>T on the coding strand, the complement: POLE is on the minus strand). VCF-style: chr12-132680213-G-A. GRCh37 (hg19) VCF-style: chr12-133256799-G-A.
Other names: short protein forms P99S.
Identifiers: ClinVar variation 567352 (VCV000567352.9), dbSNP rs1060500863, ClinGen allele CA387368813.